The following is an entry in ClinVar:

ClinVar aggregate classification (germline): Uncertain significance (1 of 4 stars; one submission).

Conditions:
Norman-Roberts syndrome (LIS2). Also called: Lissencephaly 2 (Norman-Roberts type). Identifiers: Orphanet 89844, MedGen C0796089, MONDO:0009760, OMIM 257320.
Familial temporal lobe epilepsy 7. Identifiers: Orphanet 101046, MedGen C4225327, MONDO:0014639, OMIM 616436.

Allele frequency attached by ClinVar (database versions not stated): ExAC 0.00001.

Submission:

Labcorp Genetics (formerly Invitae), Labcorp
Classification: Uncertain significance for Familial temporal lobe epilepsy 7; Norman-Roberts syndrome. Last evaluated: 2023-12-08. Review status: criteria provided, single submitter. Criteria: Invitae Variant Classification Sherloc (09022015). Collection method: clinical testing. Allele origin: germline.
Comment: This sequence change replaces methionine, which is neutral and non-polar, with threonine, which is neutral and polar, at codon 1635 of the RELN protein (p.Met1635Thr). This variant is not present in population databases (gnomAD no frequency). This variant has not been reported in the literature in individuals affected with RELN-related conditions. Advanced modeling of protein sequence and biophysical properties (such as structural, functional, and spatial information, amino acid conservation, physicochemical variation, residue mobility, and thermodynamic stability) performed at Invitae indicates that this missense variant is not expected to disrupt RELN protein function with a negative predictive value of 80%. In summary, the available evidence is currently insufficient to determine the role of this variant in disease. Therefore, it has been classified as a Variant of Uncertain Significance.

NM_005045.4(RELN):c.4904T>C (p.Met1635Thr)

Gene: RELN (reelin; minus strand). Cytogenetic location: 7q22.1.
Variant type: single nucleotide variant.
Coding change: c.4904T>C on transcript NM_005045.4 (MANE Select); coding-DNA position 4904, T replaced by C.
Protein change: p.Met1635Thr; replaces methionine 1635 with threonine.
Molecular consequence: missense variant.
Genome position (GRCh38, 1-based): chr7:103,566,256, A>G on the plus strand (T>C on the coding strand, the complement: RELN is on the minus strand). VCF-style: chr7-103566256-A-G. GRCh37 (hg19) VCF-style: chr7-103206703-A-G.
Other names: c.4904T>C, p.Met1635Thr (NM_173054.3); short protein forms M1635T.
Identifiers: ClinVar variation 2954482 (VCV002954482.3), dbSNP rs779701633, ClinGen allele CA4421383.